The following is an entry in ClinVar:

NM_000089.4(COL1A2):c.781C>G (p.Pro261Ala)

Gene: COL1A2 (collagen type I alpha 2 chain; plus strand). Cytogenetic location: 7q21.3.
Variant type: single nucleotide variant.
Coding change: c.781C>G on transcript NM_000089.4 (MANE Select); coding-DNA position 781, C replaced by G.
Protein change: p.Pro261Ala; replaces proline 261 with alanine.
Molecular consequence: missense variant.
Genome position (GRCh38, 1-based): chr7:94,408,812, C>G. VCF-style: chr7-94408812-C-G. GRCh37 (hg19) VCF-style: chr7-94038124-C-G.
Other names: short protein forms P261A.
Identifiers: ClinVar variation 580137 (VCV000580137.10), dbSNP rs141075408, ClinGen allele CA368220508.

ClinVar aggregate classification (germline): Uncertain significance (1 of 4 stars; one submission).

Conditions:
Osteogenesis imperfecta type I (OI1). Also called: OI, TYPE I; OSTEOGENESIS IMPERFECTA TARDA; OSTEOGENESIS IMPERFECTA WITH BLUE SCLERAE; Lobstein's Disease; Classic Non-deforming Osteogenesis Imperfecta with Blue Sclerae; Lobstein disease. Identifiers: Orphanet 216796, Orphanet 666, MedGen C0023931, MONDO:0008146, OMIM 166200. Disease mechanism: loss of function.
Ehlers-Danlos syndrome, classic type, 1 (EDSCL1). Also called: Ehlers-Danlos Syndrome, Classic Type, COL5A1-Related; EDS I; Ehlers-Danlos syndrome, type 1; EHLERS-DANLOS SYNDROME, GRAVIS TYPE; EHLERS-DANLOS SYNDROME, SEVERE CLASSIC TYPE. Identifiers: MedGen C0268335, MONDO:0019567, OMIM 130000.

Submission:

Labcorp Genetics (formerly Invitae), Labcorp
Classification: Uncertain significance for Osteogenesis imperfecta type I; Ehlers-Danlos syndrome, classic type, 1. Last evaluated: 2018-06-21. Review status: criteria provided, single submitter. Criteria: Invitae Variant Classification Sherloc (09022015). Collection method: clinical testing. Allele origin: germline.
Comment: In summary, the available evidence is currently insufficient to determine the role of this variant in disease. Therefore, it has been classified as a Variant of Uncertain Significance. Algorithms developed to predict the effect of missense changes on protein structure and function (SIFT, PolyPhen-2, Align-GVGD) all suggest that this variant is likely to be disruptive, but these predictions have not been confirmed by published functional studies and their clinical significance is uncertain. This sequence change replaces proline with alanine at codon 261 of the COL1A2 protein (p.Pro261Ala). The proline residue is highly conserved and there is a small physicochemical difference between proline and alanine. This variant is not present in population databases (ExAC no frequency). This variant has not been reported in the literature in individuals with COL1A2-related disease.